The following is an entry in ClinVar:

ClinVar aggregate classification (germline): Uncertain significance (1 of 4 stars; one submission).

Allele frequency attached by ClinVar (database versions not stated): TOPMed below 0.00001; gnomAD 0.00001.

Submission:

GeneDx
Classification: Uncertain significance. Last evaluated: 2022-09-18. Review status: criteria provided, single submitter. Criteria: GeneDx Variant Classification Process June 2021. Collection method: clinical testing. Allele origin: germline. Affected: yes.
Comment: Not observed at significant frequency in large population cohorts (gnomAD); In silico analysis supports that this missense variant has a deleterious effect on protein structure/function; Has not been previously published as pathogenic or benign to our knowledge

NM_152703.5(SAMD9L):c.722T>G (p.Val241Gly)

Gene: SAMD9L (sterile alpha motif domain containing 9 like; minus strand). Cytogenetic location: 7q21.2.
Variant type: single nucleotide variant.
Coding change: c.722T>G on transcript NM_152703.5 (MANE Select); coding-DNA position 722, T replaced by G.
Protein change: p.Val241Gly; replaces valine 241 with glycine.
Molecular consequence: missense variant.
Genome position (GRCh38, 1-based): chr7:93,135,250, A>C on the plus strand (T>G on the coding strand, the complement: SAMD9L is on the minus strand). VCF-style: chr7-93135250-A-C. GRCh37 (hg19) VCF-style: chr7-92764563-A-C.
Other names: c.722T>G, p.Val241Gly (NM_001303496.3, NM_001303497.3, NM_001303498.3 and 5 more transcripts); short protein forms V241G.
Identifiers: ClinVar variation 2444795 (VCV002444795.1), dbSNP rs1444116659, ClinGen allele CA368201312.